The following is an entry in ClinVar:

NM_000539.3(RHO):c.888G>C (p.Lys296Asn)

Gene: RHO (rhodopsin; plus strand). Cytogenetic location: 3q22.1.
Variant type: single nucleotide variant.
Coding change: c.888G>C on transcript NM_000539.3 (MANE Select); coding-DNA position 888, G replaced by C.
Protein change: p.Lys296Asn; replaces lysine 296 with asparagine.
Molecular consequence: missense variant.
Genome position (GRCh38, 1-based): chr3:129,532,724, G>C. VCF-style: chr3-129532724-G-C. GRCh37 (hg19) VCF-style: chr3-129251567-G-C.
Other names: short protein forms K296N.
Identifiers: ClinVar variation 955802 (VCV000955802.9), dbSNP rs2084793009, ClinGen allele CA354470800.

ClinVar aggregate classification (germline): Pathogenic. Review status: criteria provided, multiple submitters, no conflicts (2 of 4 stars). 3 submissions from 3 submitters: Pathogenic (3). Last evaluated 2022-12-26.

Conditions:
Retinal dystrophy. Also called: Inherited retinal dystrophy. Identifiers: Orphanet 71862, MedGen C0854723, MeSH D058499, MONDO:0019118, HP:0000556.
Retinitis pigmentosa 4 (RP4). Also called: RETINITIS PIGMENTOSA, RHODOPSIN-RELATED. Identifiers: Orphanet 791, MedGen C3151001, MONDO:0013395, OMIM 613731.

Submissions (3):

Labcorp Genetics (formerly Invitae), Labcorp
Classification: Pathogenic. Last evaluated: 2022-12-26. Review status: criteria provided, single submitter. Criteria: Invitae Variant Classification Sherloc (09022015). Collection method: clinical testing. Allele origin: germline.
Comment: For these reasons, this variant has been classified as Pathogenic. This variant disrupts the p.Lys296 amino acid residue in RHO. Other variant(s) that disrupt this residue have been observed in individuals with RHO-related conditions (PMID: 1765377, 28559085), which suggests that this may be a clinically significant amino acid residue. Experimental studies are conflicting or provide insufficient evidence to determine the effect of this variant on RHO function (PMID: 30977563). Advanced modeling of protein sequence and biophysical properties (such as structural, functional, and spatial information, amino acid conservation, physicochemical variation, residue mobility, and thermodynamic stability) performed at Invitae indicates that this missense variant is expected to disrupt RHO protein function. ClinVar contains an entry for this variant (Variation ID: 955802). This missense change has been observed in individual(s) with autosomal dominant retinitis pigmentosa (PMID: 11139241, 21677794, 31087526). In at least one individual the variant was observed to be de novo. This variant is not present in population databases (gnomAD no frequency). This sequence change replaces lysine, which is basic and polar, with asparagine, which is neutral and polar, at codon 296 of the RHO protein (p.Lys296Asn).

Institute of Human Genetics, Univ. Regensburg, Univ. Regensburg
Classification: Pathogenic for Retinal dystrophy. Last evaluated: 2021-01-01. Review status: criteria provided, single submitter. Criteria: ACMG Guidelines, 2015. Collection method: clinical testing. Allele origin: germline. Affected: yes.

Centre for Genomic Medicine, Manchester, Central Manchester University Hospitals
Classification: Pathogenic for Retinitis pigmentosa 4. Last evaluated: 2020-09-01. Review status: criteria provided, single submitter. Criteria: ACMG Guidelines, 2015. Collection method: clinical testing. Allele origin: germline. Affected: yes. Observed: 2 heterozygotes.

Literature cited by the submitters: PubMed 1765377 (cited by Labcorp Genetics (formerly Invitae), Labcorp); PubMed 28559085 (cited by Labcorp Genetics (formerly Invitae), Labcorp); PubMed 30977563 (cited by Labcorp Genetics (formerly Invitae), Labcorp); PubMed 11139241 (cited by Labcorp Genetics (formerly Invitae), Labcorp); PubMed 21677794 (cited by Labcorp Genetics (formerly Invitae), Labcorp); PubMed 31087526 (cited by Labcorp Genetics (formerly Invitae), Labcorp and Institute of Human Genetics, Univ. Regensburg, Univ. Regensburg).